The following is an entry in ClinVar:

ClinVar aggregate classification (germline): Uncertain significance (1 of 4 stars; one submission).

Allele frequency attached by ClinVar (database versions not stated): gnomAD exomes 0.00001 and 0.00002.

Submission:

GeneDx
Classification: Uncertain significance. Last evaluated: 2022-01-10. Review status: criteria provided, single submitter. Criteria: GeneDx Variant Classification Process June 2021. Collection method: clinical testing. Allele origin: germline. Affected: yes.
Comment: In silico analysis supports that this missense variant has a deleterious effect on protein structure/function; Has not been previously published as pathogenic or benign to our knowledge

NM_024407.5(NDUFS7):c.277A>G (p.Met93Val)

Gene: NDUFS7 (NADH:ubiquinone oxidoreductase core subunit S7; plus strand). Cytogenetic location: 19p13.3.
Variant type: single nucleotide variant.
Coding change: c.277A>G on transcript NM_024407.5 (MANE Select); coding-DNA position 277, A replaced by G.
Protein change: p.Met93Val; replaces methionine 93 with valine.
Molecular consequence: missense variant.
Genome position (GRCh38, 1-based): chr19:1,390,919, A>G. VCF-style: chr19-1390919-A-G. GRCh37 (hg19) VCF-style: chr19-1390918-A-G.
Other names: c.277A>G, p.Met93Val (NM_001363602.2); short protein forms M93V.
Identifiers: ClinVar variation 1695775 (VCV001695775.2), dbSNP rs1273107722, ClinGen allele CA402984611.
Genomic context (GRCh38, chr19:1,390,919, plus strand): 5'-CGGCCTCCGCAGAGTTCTCTGTGGCCCATGACCTTCGGCCTGGCCTGCTGCGCCGTGGAG[A>G]TGATGCACATGGCAGCACCCCGCTACGACATGGACCGCTTTGGCGTGGTCTTCCGCGCCA-3'
Protein context (NP_077718.3, residues 83-103): TFGLACCAVE[Met93Val]MHMAAPRYDM